The following is an entry in ClinVar:

ClinVar aggregate classification (germline): Likely pathogenic. Review status: reviewed by expert panel (3 of 4 stars). 3 submissions from 3 submitters: Likely pathogenic (1). 2 of the submissions do not count toward it. Last evaluated 2025-05-07.

Conditions:
Inborn genetic diseases. Identifiers: MedGen C0950123, MeSH D030342.
Angelman syndrome (AS). Also called: HAPPY PUPPET SYNDROME. Identifiers: Orphanet 72, MedGen C0162635, MONDO:0007113, OMIM 105830. Disease mechanism: loss of function. Inheritance: AS is caused by disruption of maternally imprinted UBE3A located within the 15q11.2-q13 Angelman syndrome/Prader-Willi syndrome (AS/PWS) region., imprinting disorder.

Submissions (3):

ClinGen Rett and Angelman-like Disorders Variant Curation Expert Panel
Classification: Likely pathogenic for Angelman syndrome. Last evaluated: 2025-05-07. Review status: reviewed by expert panel. Criteria: ClinGen RettAS ACMG Specifications UBE3A V5.0.0. Collection method: curation. Allele origin: germline. Inheritance: Autosomal dominant inheritance.
Comment: The c.1805A>G p.(Asn602Ser) variant in UBE3A (NM_130838.2) is absent from gnomAD (PM2_supporting). The p.Asn602Ser variant has been observed in at least 4 individuals with a neurodevelopmental phenotype consistent with UBE3A-related disease (University of Chicago, Ambry Genetics and GeneDx Internal databases) (PS4_moderate), and has been reported as a de novo occurrence (biological parentage unconfirmed) in 1 of these individuals (PM6). Computational prediction analysis tools suggests a deleterious impact; however, this information does not predict clinical significance on its own (PP3). In summary, the p.Asn602Ser variant in UBE3A is classified as likely pathogenic for Angelman syndrome based on the ACMG/AMP criteria (PM2_supporting, PS4_moderate, PM6, PP3). (UBE3A Specifications v.5.0; curation approved on [5/7/2025])

Ambry Genetics
Classification: Pathogenic for Inborn genetic diseases. Last evaluated: 2016-02-12. Review status: criteria provided, single submitter. Criteria: Ambry exome assertion method (8-5-2015). Collection method: clinical testing. Allele origin: germline. Affected: yes. Observed: 1 variant allele. Not counted in ClinVar's aggregate classification.

Genetic Services Laboratory, University of Chicago
Classification: Uncertain significance for Angelman syndrome. Last evaluated: 2013-02-08. Review status: criteria provided, single submitter. Criteria: ACMG Guidelines, 2007. Collection method: clinical testing. Allele origin: germline. Inheritance: Autosomal dominant inheritance. Not counted in ClinVar's aggregate classification.

NM_130839.5(UBE3A):c.1865A>G (p.Asn622Ser)

Genes: SNHG14 (small nucleolar RNA host gene 14; plus strand), UBE3A (ubiquitin protein ligase E3A; minus strand). Cytogenetic location: 15q11.2.
Variant type: single nucleotide variant.
Coding change: c.1865A>G on transcript NM_130839.5 (MANE Select); coding-DNA position 1865, A replaced by G.
Protein change: p.Asn622Ser; replaces asparagine 622 with serine.
Molecular consequence: missense variant. On other transcripts: non-coding transcript variant (1).
Genome position (GRCh38, 1-based): chr15:25,356,785, T>C on the plus strand (A>G on the coding strand, the complement: UBE3A is on the minus strand). VCF-style: chr15-25356785-T-C. GRCh37 (hg19) VCF-style: chr15-25601932-T-C.
Other names: NM_130839.5(UBE3A):c.1865A>G; p.Asn622Ser; c.1874A>G, p.Asn625Ser (NM_000462.5); c.1865A>G, p.Asn622Ser (NM_001354505.1, NM_001354538.2, NM_001354545.2); c.1805A>G, p.Asn602Ser (NM_001354506.2, NM_001354507.2, NM_001354508.2 and 17 more transcripts); c.1688A>G, p.Asn563Ser (NM_001354546.2); c.614A>G, p.Asn205Ser (NM_001354550.2); c.554A>G, p.Asn185Ser (NM_001354551.2); short protein forms N602S, N563S, N625S, N185S, N205S, N622S.
Identifiers: ClinVar variation 160214 (VCV000160214.11), dbSNP rs587784521, ClinGen allele CA333543.